The following is an entry in ClinVar:

ClinVar aggregate classification (germline): Uncertain significance (1 of 4 stars; one submission).

Submission:

Labcorp Genetics (formerly Invitae), Labcorp
Classification: Uncertain significance. Last evaluated: 2024-01-19. Review status: criteria provided, single submitter. Criteria: Invitae Variant Classification Sherloc (09022015). Collection method: clinical testing. Allele origin: germline.
Comment: This sequence change replaces glycine, which is neutral and non-polar, with aspartic acid, which is acidic and polar, at codon 1705 of the TRRAP protein (p.Gly1705Asp). This variant is not present in population databases (gnomAD no frequency). This variant has not been reported in the literature in individuals affected with TRRAP-related conditions. ClinVar contains an entry for this variant (Variation ID: 2106506). Advanced modeling of protein sequence and biophysical properties (such as structural, functional, and spatial information, amino acid conservation, physicochemical variation, residue mobility, and thermodynamic stability) performed at Invitae indicates that this missense variant is not expected to disrupt TRRAP protein function with a negative predictive value of 80%. In summary, the available evidence is currently insufficient to determine the role of this variant in disease. Therefore, it has been classified as a Variant of Uncertain Significance.

NM_001375524.1(TRRAP):c.5189G>A (p.Gly1730Asp)

Genes: TRRAP (transformation/transcription domain associated protein; plus strand), LOC126860121 (MED14-independent group 3 enhancer GRCh37_chr7:98547245-98548444; plus strand). Cytogenetic location: 7q22.1.
Variant type: single nucleotide variant.
Coding change: c.5189G>A on transcript NM_001375524.1 (MANE Select); coding-DNA position 5189, G replaced by A.
Protein change: p.Gly1730Asp; replaces glycine 1730 with aspartic acid.
Molecular consequence: missense variant.
Genome position (GRCh38, 1-based): chr7:98,950,117, G>A. VCF-style: chr7-98950117-G-A. GRCh37 (hg19) VCF-style: chr7-98547740-G-A.
Other names: c.5168G>A, p.Gly1723Asp (NM_001244580.2); c.5114G>A, p.Gly1705Asp (NM_003496.4); short protein forms G1730D, G1705D, G1723D.
Identifiers: ClinVar variation 2106506 (VCV002106506.4), dbSNP rs2484854816, ClinGen allele CA368316554.
Genomic context (GRCh38, chr7:98,950,117, plus strand): 5'-CCTCCAGAAGGAATTACGGAGATATAGAATTGCTGTTCCAGCTGCTCCGAGCCTTTACTG[G>A]TCGTTTTCTCTGCAACATGACATTCTTAAAAGAGTATATGGAGGAAGAGATTCCCAAAAA-3'
Protein context (NP_001362453.1, residues 1720-1740): LLFQLLRAFT[Gly1730Asp]RFLCNMTFLK